The following is an entry in ClinVar:

ClinVar aggregate classification (germline): Uncertain significance (1 of 4 stars; one submission).

Submission:

Labcorp Genetics (formerly Invitae), Labcorp
Classification: Uncertain significance. Last evaluated: 2022-06-14. Review status: criteria provided, single submitter. Criteria: Invitae Variant Classification Sherloc (09022015). Collection method: clinical testing. Allele origin: germline.
Comment: This sequence change results in a frameshift in the ADGRV1 gene (p.His6305Glnfs*7). While this is not anticipated to result in nonsense mediated decay, it is expected to disrupt the last 2 amino acid(s) of the ADGRV1 protein and extend the protein by 4 additional amino acid residues. This variant is not present in population databases (gnomAD no frequency). This variant has not been reported in the literature in individuals affected with ADGRV1-related conditions. Experimental studies and prediction algorithms are not available or were not evaluated, and the functional significance of this variant is currently unknown. In summary, the available evidence is currently insufficient to determine the role of this variant in disease. Therefore, it has been classified as a Variant of Uncertain Significance.

NM_032119.4(ADGRV1):c.18914dup (p.His6305fs)

Gene: ADGRV1 (adhesion G protein-coupled receptor V1; plus strand). Cytogenetic location: 5q14.3.
Variant type: Duplication.
Coding change: c.18914dup on transcript NM_032119.4 (MANE Select); coding-DNA position 18914, one base duplicated (A; older notation c.18914dupA).
Protein change: p.His6305fs; shifts the reading frame from histidine 6305.
Molecular consequence: frameshift variant. On other transcripts: non-coding transcript variant (1).
Genome position (GRCh38, 1-based): chr5:91,163,893, A duplicated. VCF-style (leftmost placement, unchanged base first): chr5-91163892-C-CA. GRCh37 (hg19) VCF-style: chr5-90459709-C-CA.
Other names: short protein forms H6305fs.
Identifiers: ClinVar variation 2006427 (VCV002006427.4), dbSNP rs2533527563, ClinGen allele CA2580073781.
Genomic context (GRCh38, chr5:91,163,892, plus strand): 5'-GGGGGCACCTTGACTGACTCCCAGATCGTGGAGCTCAGGAGGATACCCATCGCCGACACT[C>CA]ACCTGTAGCACCTCACTAACCATTCGACTGAGCACACTTTCATATTTGTATCAGCTTTTG-3'